The following is an entry in ClinVar:

ClinVar aggregate classification (germline): Uncertain significance. Review status: criteria provided, multiple submitters, no conflicts (2 of 4 stars). 2 submissions from 2 submitters: Uncertain significance (2). Last evaluated 2024-09-09.

Conditions:
Dyskeratosis congenita, autosomal dominant 2. Identifiers: MedGen C3151443, MONDO:0013521, OMIM 613989.
Idiopathic Pulmonary Fibrosis. Also called: Idiopathic fibrosing alveolitis, chronic form; idiopathic fibrosing alveolitis. Identifiers: Orphanet 2032, MedGen C1800706, MeSH D054990, MONDO:0800504.
Dyskeratosis congenita. Identifiers: Orphanet 1775, MedGen C0265965, MONDO:0015780.

Submissions (2):

Ambry Genetics
Classification: Uncertain significance for Dyskeratosis congenita. Last evaluated: 2024-09-09. Review status: criteria provided, single submitter. Criteria: Ambry Variant Classification Scheme 2023. Collection method: clinical testing. Allele origin: germline.
Comment: The p.A46T variant (also known as c.136G>A), located in coding exon 1 of the TERT gene, results from a G to A substitution at nucleotide position 136. The alanine at codon 46 is replaced by threonine, an amino acid with similar properties. This amino acid position is conserved. In addition, this alteration is predicted to be tolerated by in silico analysis. Based on the available evidence, the clinical significance of this variant remains unclear.

Labcorp Genetics (formerly Invitae), Labcorp
Classification: Uncertain significance for Dyskeratosis congenita, autosomal dominant 2; Idiopathic Pulmonary Fibrosis. Last evaluated: 2018-09-12. Review status: criteria provided, single submitter. Criteria: Invitae Variant Classification Sherloc (09022015). Collection method: clinical testing. Allele origin: germline.
Comment: In summary, the available evidence is currently insufficient to determine the role of this variant in disease. Therefore, it has been classified as a Variant of Uncertain Significance. Algorithms developed to predict the effect of missense changes on protein structure and function are either unavailable or do not agree on the potential impact of this missense change (SIFT: "Tolerated"; PolyPhen-2: "Possibly Damaging"; Align-GVGD: "Class C0"). This variant has not been reported in the literature in individuals with TERT-related disease. The frequency data for this variant in the population databases is considered unreliable, as metrics indicate insufficient coverage at this position in the ExAC database. This sequence change replaces alanine with threonine at codon 46 of the TERT protein (p.Ala46Thr). The alanine residue is weakly conserved and there is a small physicochemical difference between alanine and threonine.

NM_198253.3(TERT):c.136G>A (p.Ala46Thr)

Genes: TERT (telomerase reverse transcriptase; minus strand), LOC110806263 (TERT 5' regulatory region; plus strand). Cytogenetic location: 5p15.33.
Variant type: single nucleotide variant.
Coding change: c.136G>A on transcript NM_198253.3 (MANE Select); coding-DNA position 136, G replaced by A.
Protein change: p.Ala46Thr; replaces alanine 46 with threonine.
Molecular consequence: missense variant. On other transcripts: non-coding transcript variant (2).
Genome position (GRCh38, 1-based): chr5:1,294,854, C>T on the plus strand (G>A on the coding strand, the complement: TERT is on the minus strand). VCF-style: chr5-1294854-C-T. GRCh37 (hg19) VCF-style: chr5-1294969-C-T.
Other names: c.136G>A, p.Ala46Thr (NM_001193376.3); short protein forms A46T.
Identifiers: ClinVar variation 646413 (VCV000646413.10), dbSNP rs1579599228, ClinGen allele CA359059116.